The following is an entry in ClinVar:

ClinVar aggregate classification (germline): Uncertain significance. Review status: criteria provided, multiple submitters, no conflicts (2 of 4 stars). 2 submissions from 2 submitters: Uncertain significance (2). Last evaluated 2025-03-28.

Conditions:
Familial hemophagocytic lymphohistiocytosis 5. Also called: STXBP2-Related Familial Hemophagocytic Lymphohistiocytosis (STXBP2-fHLH). Identifiers: Orphanet 540, MedGen C2751293, MONDO:0013135, OMIM 613101.
Inborn genetic diseases. Identifiers: MedGen C0950123, MeSH D030342.

Allele frequency attached by ClinVar (database versions not stated): gnomAD 0.00002 and 0.00003; TOPMed 0.00002; ESP Exome Variant Server 0.00008.
gnomAD v4.1: 23 of 1,614,112 alleles (0.0014%); highest among the groups gnomAD compares: African/African-American, 0.0067%; no homozygotes.

Submissions (2):

Ambry Genetics
Classification: Uncertain significance for Inborn genetic diseases. Last evaluated: 2025-03-28. Review status: criteria provided, single submitter. Criteria: Ambry Variant Classification Scheme 2023. Collection method: clinical testing. Allele origin: germline.

Labcorp Genetics (formerly Invitae), Labcorp
Classification: Uncertain significance for Familial hemophagocytic lymphohistiocytosis 5. Last evaluated: 2024-01-06. Review status: criteria provided, single submitter. Criteria: Invitae Variant Classification Sherloc (09022015). Collection method: clinical testing. Allele origin: germline.
Comment: This sequence change replaces arginine, which is basic and polar, with cysteine, which is neutral and slightly polar, at codon 122 of the STXBP2 protein (p.Arg122Cys). This variant is present in population databases (rs371725400, gnomAD 0.01%). This variant has not been reported in the literature in individuals affected with STXBP2-related conditions. ClinVar contains an entry for this variant (Variation ID: 1019677). Advanced modeling of protein sequence and biophysical properties (such as structural, functional, and spatial information, amino acid conservation, physicochemical variation, residue mobility, and thermodynamic stability) performed at Invitae indicates that this missense variant is not expected to disrupt STXBP2 protein function with a negative predictive value of 80%. In summary, the available evidence is currently insufficient to determine the role of this variant in disease. Therefore, it has been classified as a Variant of Uncertain Significance.

NM_006949.4(STXBP2):c.364C>T (p.Arg122Cys)

Gene: STXBP2 (syntaxin binding protein 2; plus strand). Cytogenetic location: 19p13.2.
Variant type: single nucleotide variant.
Coding change: c.364C>T on transcript NM_006949.4 (MANE Select); coding-DNA position 364, C replaced by T.
Protein change: p.Arg122Cys; replaces arginine 122 with cysteine.
Molecular consequence: missense variant. On other transcripts: non-coding transcript variant (1).
Genome position (GRCh38, 1-based): chr19:7,640,938, C>T. VCF-style: chr19-7640938-C-T. GRCh37 (hg19) VCF-style: chr19-7705824-C-T.
Other names: c.364C>T (NM_006949.2); c.355C>T, p.Arg119Cys (NM_001127396.3); c.397C>T, p.Arg133Cys (NM_001272034.2); short protein forms R119C, R122C, R133C.
Identifiers: ClinVar variation 1019677 (VCV001019677.6), dbSNP rs371725400, ClinGen allele CA9143605.